The following is an entry in ClinVar:

NM_000273.3(GPR143):c.613G>A (p.Val205Ile)

Gene: GPR143 (G protein-coupled receptor 143; minus strand). Cytogenetic location: Xp22.2.
Variant type: single nucleotide variant.
Coding change: c.613G>A on transcript NM_000273.3 (MANE Select); coding-DNA position 613, G replaced by A.
Protein change: p.Val205Ile; replaces valine 205 with isoleucine.
Molecular consequence: missense variant.
Genome position (GRCh38, 1-based): chrX:9,746,089, C>T on the plus strand (G>A on the coding strand, the complement: GPR143 is on the minus strand). VCF-style: chrX-9746089-C-T. GRCh37 (hg19) VCF-style: chrX-9714129-C-T.
Other names: c.613G>A (NM_000273.2); short protein forms V205I.
Identifiers: ClinVar variation 2916699 (VCV002916699.4), dbSNP rs1450534505, ClinGen allele CA411997303.
Genomic context (GRCh38, chrX:9,746,089, plus strand): 5'-TTCCCTAGTATTTACCTGCAGTCACTGTCTTTTGGAACAGGATGGGGTTCGCCACGAGAA[C>T]CAGCAGCAGGGGCAGGTACATGGTGACATAGTGGGGGATGGCGTGGTCCAGGCCCCGCTC-3'
Protein context (NP_000264.2, residues 195-215): YVTMYLPLLL[Val205Ile]LVANPILFQK

ClinVar aggregate classification (germline): Uncertain significance. Review status: criteria provided, multiple submitters, no conflicts (2 of 4 stars). 3 submissions from 3 submitters: Uncertain significance (3). Last evaluated 2025-08-27.

Conditions:
Inborn genetic diseases. Identifiers: MedGen C0950123, MeSH D030342.

Allele frequency attached by ClinVar (database versions not stated): gnomAD exomes below 0.00001; TOPMed below 0.00001; gnomAD 0.00001.

Submissions (3):

Ambry Genetics
Classification: Uncertain significance for Inborn genetic diseases. Last evaluated: 2025-08-27. Review status: criteria provided, single submitter. Criteria: Ambry Variant Classification Scheme 2023. Collection method: clinical testing. Allele origin: germline.

Blueprint Genetics
Classification: Uncertain significance. Last evaluated: 2023-11-07. Review status: criteria provided, single submitter. Criteria: ACMG Guidelines, 2015. Collection method: clinical testing. Allele origin: germline.

Labcorp Genetics (formerly Invitae), Labcorp
Classification: Uncertain significance. Last evaluated: 2022-12-22. Review status: criteria provided, single submitter. Criteria: Invitae Variant Classification Sherloc (09022015). Collection method: clinical testing. Allele origin: germline.
Comment: In summary, the available evidence is currently insufficient to determine the role of this variant in disease. Therefore, it has been classified as a Variant of Uncertain Significance. Advanced modeling of protein sequence and biophysical properties (such as structural, functional, and spatial information, amino acid conservation, physicochemical variation, residue mobility, and thermodynamic stability) performed at Invitae indicates that this missense variant is expected to disrupt GPR143 protein function. This sequence change replaces valine, which is neutral and non-polar, with isoleucine, which is neutral and non-polar, at codon 205 of the GPR143 protein (p.Val205Ile). This variant is not present in population databases (gnomAD no frequency). This variant has not been reported in the literature in individuals affected with GPR143-related conditions.